The following is an entry in ClinVar:

ClinVar aggregate classification (germline): Benign/Likely benign. Review status: criteria provided, multiple submitters, no conflicts (2 of 4 stars). 2 submissions from 2 submitters: Benign (1); Likely benign (1). Last evaluated 2024-10-01.

Allele frequency attached by ClinVar (database versions not stated): gnomAD exomes below 0.00001; TOPMed below 0.00001; ExAC 0.00001; ESP Exome Variant Server 0.00008.
gnomAD v4.1: 1 of 1,613,318 alleles (0.000062%); highest among the groups gnomAD compares: Non-Finnish European, 0.000085%; no homozygotes.

Submissions (2):

CeGaT Center for Human Genetics Tuebingen
Classification: Likely benign. Last evaluated: 2024-10-01. Review status: criteria provided, single submitter. Criteria: CeGaT Center For Human Genetics Tuebingen Variant Classification Criteria Version 2. Collection method: clinical testing. Allele origin: germline. Affected: yes. Observed: 1 variant allele.
Comment: LONP1: BP4, BP7

Labcorp Genetics (formerly Invitae), Labcorp
Classification: Benign. Last evaluated: 2024-01-09. Review status: criteria provided, single submitter. Criteria: Invitae Variant Classification Sherloc (09022015). Collection method: clinical testing. Allele origin: germline.

NM_004793.4(LONP1):c.1029C>T (p.Ser343=)

Gene: LONP1 (lon peptidase 1, mitochondrial; minus strand). Cytogenetic location: 19p13.3.
Variant type: single nucleotide variant.
Coding change: c.1029C>T on transcript NM_004793.4 (MANE Select); coding-DNA position 1029, C replaced by T.
Protein change: p.Ser343=; no amino-acid change (serine 343 retained).
Molecular consequence: synonymous variant. On other transcripts: non-coding transcript variant (1).
Genome position (GRCh38, 1-based): chr19:5,707,730, G>A on the plus strand (C>T on the coding strand, the complement: LONP1 is on the minus strand). VCF-style: chr19-5707730-G-A. GRCh37 (hg19) VCF-style: chr19-5707741-G-A.
Other names: c.837C>T, p.Ser279= (NM_001276479.2); c.441C>T, p.Ser147= (NM_001276480.1).
Identifiers: ClinVar variation 2030321 (VCV002030321.18), dbSNP rs368055814, ClinGen allele CA9114868.